The following is an entry in ClinVar:

NM_001195248.2(APTX):c.194C>G (p.Pro65Arg)

Gene: APTX (aprataxin; minus strand). Cytogenetic location: 9p21.1.
Variant type: single nucleotide variant.
Coding change: c.194C>G on transcript NM_001195248.2 (MANE Select); coding-DNA position 194, C replaced by G.
Protein change: p.Pro65Arg; replaces proline 65 with arginine.
Molecular consequence: missense variant. On other transcripts: 5 prime UTR variant (8), non-coding transcript variant (3), intron variant (4).
Genome position (GRCh38, 1-based): chr9:32,987,833, G>C on the plus strand (C>G on the coding strand, the complement: APTX is on the minus strand). VCF-style: chr9-32987833-G-C. GRCh37 (hg19) VCF-style: chr9-32987831-G-C.
Other names: c.194C>G, p.Pro65Arg (NM_001195249.2, NM_001195251.2, NM_001195252.2 and 7 more transcripts); c.-71C>G (NM_001369002.1, NM_001369003.1, NM_001369004.1 and 5 more transcripts); c.134-102C>G (NM_001369001.1, NM_001369000.1, NM_001195250.2 and 1 more transcripts); short protein forms P65R.
Identifiers: ClinVar variation 1386458 (VCV001386458.8), dbSNP rs751301480, ClinGen allele CA5022565.
Genomic context (GRCh38, chr9:32,987,833, plus strand): 5'-TGGCCAGGCTGCAGCTTCACCTCTTGGTCCTTCCCAATTACGACTGAGTCAATGCTGGTG[G>C]GATTGACTCCTACCTATGGAATAAACAATCAGAAAATAATTATAATAATAGCAACAGCAC-3'
Protein context (NP_001182177.2, residues 55-75): YVKVKQVGVN[Pro65Arg]TSIDSVVIGK

ClinVar aggregate classification (germline): Uncertain significance (1 of 4 stars; one submission).

Allele frequency attached by ClinVar (database versions not stated): ExAC 0.00001.

Submission:

Labcorp Genetics (formerly Invitae), Labcorp
Classification: Uncertain significance. Last evaluated: 2022-01-16. Review status: criteria provided, single submitter. Criteria: Invitae Variant Classification Sherloc (09022015). Collection method: clinical testing. Allele origin: germline.
Comment: In summary, the available evidence is currently insufficient to determine the role of this variant in disease. Therefore, it has been classified as a Variant of Uncertain Significance. Algorithms developed to predict the effect of missense changes on protein structure and function are either unavailable or do not agree on the potential impact of this missense change (SIFT: "Tolerated"; PolyPhen-2: "Probably Damaging"; Align-GVGD: "Class C0"). This variant has not been reported in the literature in individuals affected with APTX-related conditions. This variant is present in population databases (rs751301480, gnomAD 0.006%). This sequence change replaces proline, which is neutral and non-polar, with arginine, which is basic and polar, at codon 65 of the APTX protein (p.Pro65Arg).